The following is an entry in ClinVar:

NM_001396067.1(KRTAP4-16):c.648C>A (p.Pro216=)

Gene: KRTAP4-16 (keratin associated protein 4-16; minus strand). Cytogenetic location: 17q21.2.
Variant type: single nucleotide variant.
Coding change: c.648C>A on transcript NM_001396067.1 (MANE Select); coding-DNA position 648, C replaced by A.
Protein change: p.Pro216=; no amino-acid change (proline 216 retained).
Molecular consequence: synonymous variant.
Genome position (GRCh38, 1-based): chr17:41,101,562, G>T on the plus strand (C>A on the coding strand, the complement: KRTAP4-16 is on the minus strand). VCF-style: chr17-41101562-G-T. GRCh37 (hg19) VCF-style: chr17-39257814-G-T.
Identifiers: ClinVar variation 2647754 (VCV002647754.24), dbSNP rs1485783303, ClinGen allele CA499978391.

ClinVar aggregate classification (germline): Likely benign (1 of 4 stars; one submission).

Submission:

CeGaT Center for Human Genetics Tuebingen
Classification: Likely benign. Last evaluated: 2026-09-01. Review status: criteria provided, single submitter. Criteria: CeGaT Center For Human Genetics Tuebingen Variant Classification Criteria Version 2. Collection method: clinical testing. Allele origin: germline. Affected: yes. Observed: 4 variant alleles.
Comment: KRTAP4-16: PM2:Supporting, BP4, BP7